The following is an entry in ClinVar:

ClinVar aggregate classification (germline): Uncertain significance. Review status: criteria provided, multiple submitters, no conflicts (2 of 4 stars). 2 submissions from 2 submitters: Uncertain significance (2). Last evaluated 2025-12-09.

Allele frequency attached by ClinVar (database versions not stated): ExAC 0.00001; gnomAD 0.00001; gnomAD exomes 0.00001; TOPMed 0.00001.
gnomAD v4.1: 22 of 1,613,274 alleles (0.0014%); highest among the groups gnomAD compares: Admixed American, 0.0033%; no homozygotes.

Submissions (2):

Ambry Genetics
Classification: Uncertain significance. Last evaluated: 2025-12-09. Review status: criteria provided, single submitter. Criteria: Ambry Variant Classification Scheme 2023. Collection method: clinical testing. Allele origin: germline.

Labcorp Genetics (formerly Invitae), Labcorp
Classification: Uncertain significance. Last evaluated: 2025-10-01. Review status: criteria provided, single submitter. Criteria: Invitae Variant Classification Sherloc (09022015). Collection method: clinical testing. Allele origin: germline.
Comment: This sequence change replaces proline, which is neutral and non-polar, with leucine, which is neutral and non-polar, at codon 1394 of the KIAA0556 protein (p.Pro1394Leu). This variant is present in population databases (rs775676774, gnomAD 0.004%). This variant has not been reported in the literature in individuals affected with KIAA0556-related conditions. ClinVar contains an entry for this variant (Variation ID: 2191598). An algorithm developed to predict the effect of missense changes on protein structure and function (PolyPhen-2) suggests that this variant is likely to be disruptive. In summary, the available evidence is currently insufficient to determine the role of this variant in disease. Therefore, it has been classified as a Variant of Uncertain Significance.

NM_015202.5(KATNIP):c.4181C>T (p.Pro1394Leu)

Gene: KATNIP (katanin interacting protein; plus strand). Cytogenetic location: 16p12.1.
Variant type: single nucleotide variant.
Coding change: c.4181C>T on transcript NM_015202.5 (MANE Select); coding-DNA position 4181, C replaced by T.
Protein change: p.Pro1394Leu; replaces proline 1394 with leucine.
Molecular consequence: missense variant.
Genome position (GRCh38, 1-based): chr16:27,771,635, C>T. VCF-style: chr16-27771635-C-T. GRCh37 (hg19) VCF-style: chr16-27782956-C-T.
Other names: c.4181C>T (NM_015202.2); short protein forms P1394L.
Identifiers: ClinVar variation 2191598 (VCV002191598.5), dbSNP rs775676774, ClinGen allele CA7978527.
Genomic context (GRCh38, chr16:27,771,635, plus strand): 5'-TGTGCTTTTTCAGGCTGGACATGAGAAGCCTGGAGTGTGCAAGCATGGACTACGAGGCAC[C>T]GCTGATGCCCTGTGGCTGTATCCTTCTCCTCCCGCCCCACCAGCACATTCTGGGCCCCGA-3'
Protein context (NP_056017.4, residues 1384-1404): LECASMDYEA[Pro1394Leu]LMPCGFIFQF